The following is an entry in ClinVar:

NM_001080467.3(MYO5B):c.4585A>G (p.Ile1529Val)

Genes: MYO5B (myosin VB; minus strand), SNHG22 (small nucleolar RNA host gene 22; plus strand). Cytogenetic location: 18q21.1.
Variant type: single nucleotide variant.
Coding change: c.4585A>G on transcript NM_001080467.3 (MANE Select); coding-DNA position 4585, A replaced by G.
Protein change: p.Ile1529Val; replaces isoleucine 1529 with valine.
Molecular consequence: missense variant.
Genome position (GRCh38, 1-based): chr18:49,843,267, T>C on the plus strand (A>G on the coding strand, the complement: MYO5B is on the minus strand). VCF-style: chr18-49843267-T-C. GRCh37 (hg19) VCF-style: chr18-47369637-T-C.
Other names: short protein forms I1529V.
Identifiers: ClinVar variation 2171138 (VCV002171138.4), dbSNP rs2024082709, ClinGen allele CA402425277.

ClinVar aggregate classification (germline): Uncertain significance (1 of 4 stars; one submission).

Allele frequency attached by ClinVar (database versions not stated): gnomAD exomes below 0.00001; TOPMed 0.00001; gnomAD 0.00002.
gnomAD v4.1: 5 of 1,614,044 alleles (0.00031%); highest among the groups gnomAD compares: African/African-American, 0.0027%; no homozygotes.

Submission:

Labcorp Genetics (formerly Invitae), Labcorp
Classification: Uncertain significance. Last evaluated: 2022-04-21. Review status: criteria provided, single submitter. Criteria: Invitae Variant Classification Sherloc (09022015). Collection method: clinical testing. Allele origin: germline.
Comment: Algorithms developed to predict the effect of missense changes on protein structure and function are either unavailable or do not agree on the potential impact of this missense change (SIFT: "Deleterious"; PolyPhen-2: "Benign"; Align-GVGD: "Class C0"). This sequence change replaces isoleucine, which is neutral and non-polar, with valine, which is neutral and non-polar, at codon 1529 of the MYO5B protein (p.Ile1529Val). This variant is not present in population databases (gnomAD no frequency). This variant has not been reported in the literature in individuals affected with MYO5B-related conditions. In summary, the available evidence is currently insufficient to determine the role of this variant in disease. Therefore, it has been classified as a Variant of Uncertain Significance.